The following is an entry in ClinVar:

ClinVar aggregate classification (germline): Pathogenic (1 of 4 stars; one submission).

Conditions:
Junctional epidermolysis bullosa. Identifiers: Orphanet 305, MedGen C0079301, MONDO:0017612.

Submission:

Myriad Genetics, Inc.
Classification: Pathogenic for Junctional epidermolysis bullosa. Last evaluated: 2024-02-10. Review status: criteria provided, single submitter. Criteria: Myriad Autosomal Dominant, Autosomal Recessive and X-Linked Classification Criteria (2023). Collection method: clinical testing. Allele origin: unknown.
Comment: NM_005562.2(LAMC2):c.351delG(P118Qfs*18) is expected to be pathogenic in the context of junctional epidermolysis bullosa, LAMC2-related. This variant is predicted to lead to an abnormal or absent protein product due to the creation of a premature termination codon in LAMC2, a gene where loss-of-function variants are known to be pathogenic. Please note: this variant was assessed in the context of healthy population screening.

NM_005562.3(LAMC2):c.351del (p.Pro118fs)

Gene: LAMC2 (laminin subunit gamma 2; plus strand). Cytogenetic location: 1q25.3.
Variant type: Deletion.
Coding change: c.351del on transcript NM_005562.3 (MANE Select); coding-DNA position 351, one base deleted (G; older notation c.351delG).
Protein change: p.Pro118fs; shifts the reading frame from proline 118.
Molecular consequence: frameshift variant.
Genome position (GRCh38, 1-based): chr1:183,215,535, G deleted. VCF-style (leftmost placement, unchanged base first): chr1-183215534-TG-T. GRCh37 (hg19) VCF-style: chr1-183184669-TG-T.
Other names: c.351del, p.Pro118fs (NM_018891.3); short protein forms P118fs.
Identifiers: ClinVar variation 5012730 (VCV005012730.1).